The following is an entry in ClinVar:

NM_002591.4(PCK1):c.1279C>T (p.Pro427Ser)

Gene: PCK1 (phosphoenolpyruvate carboxykinase 1; plus strand). Cytogenetic location: 20q13.31.
Variant type: single nucleotide variant.
Coding change: c.1279C>T on transcript NM_002591.4 (MANE Select); coding-DNA position 1279, C replaced by T.
Protein change: p.Pro427Ser; replaces proline 427 with serine.
Molecular consequence: missense variant.
Genome position (GRCh38, 1-based): chr20:57,564,574, C>T. VCF-style: chr20-57564574-C-T. GRCh37 (hg19) VCF-style: chr20-56139630-C-T.
Other names: short protein forms P427S.
Identifiers: ClinVar variation 784573 (VCV000784573.14), dbSNP rs28359550, ClinGen allele CA9922337.

ClinVar aggregate classification (germline): Conflicting classifications of pathogenicity. Review status: criteria provided, conflicting classifications (1 of 4 stars). 4 submissions from 4 submitters: Uncertain significance (1); Likely benign (2). 1 of the submissions does not count toward it. Last evaluated 2025-11-24.

Conditions:
Inborn genetic diseases. Identifiers: MedGen C0950123, MeSH D030342.
PCK1-related disorder. Also called: PCK1-related condition.

Allele frequency attached by ClinVar (database versions not stated): gnomAD exomes 0.00014 and 0.00033; ExAC 0.00048; gnomAD 0.00127 and 0.00131; TOPMed 0.00127; 1000 Genomes Project 30x 0.00141; ESP Exome Variant Server 0.00146; 1000 Genomes Project 0.00160.
gnomAD v4.1: 425 of 1,611,842 alleles (0.026%); highest among the groups gnomAD compares: African/African-American, 0.42%; 2 homozygotes.

Submissions (4):

Labcorp Genetics (formerly Invitae), Labcorp
Classification: Likely benign. Last evaluated: 2025-11-24. Review status: criteria provided, single submitter. Criteria: Invitae Variant Classification Sherloc (09022015). Collection method: clinical testing. Allele origin: germline.

Ambry Genetics
Classification: Likely benign for Inborn genetic diseases. Last evaluated: 2025-08-09. Review status: criteria provided, single submitter. Criteria: Ambry Variant Classification Scheme 2023. Collection method: clinical testing. Allele origin: germline.

Blueprint Genetics
Classification: Uncertain significance. Last evaluated: 2024-11-21. Review status: criteria provided, single submitter. Criteria: ACMG Guidelines, 2015. Collection method: clinical testing. Allele origin: germline.

PreventionGenetics, part of Exact Sciences
Classification: Likely benign for PCK1-related condition. Last evaluated: 2022-10-09. Review status: no assertion criteria provided. Collection method: clinical testing. Allele origin: germline. Not counted in ClinVar's aggregate classification.
Comment: This variant is classified as likely benign based on ACMG/AMP sequence variant interpretation guidelines (Richards et al. 2015 PMID: 25741868, with internal and published modifications).